The following is an entry in ClinVar:

NM_006397.3(RNASEH2A):c.323+3G>A

Gene: RNASEH2A (ribonuclease H2 subunit A; plus strand). Cytogenetic location: 19p13.13.
Variant type: single nucleotide variant.
Coding change: c.323+3G>A on transcript NM_006397.3 (MANE Select); 3 bases into the intron after coding-DNA position 323, G replaced by A.
Molecular consequence: intron variant.
Genome position (GRCh38, 1-based): chr19:12,807,332, G>A. VCF-style: chr19-12807332-G-A. GRCh37 (hg19) VCF-style: chr19-12918146-G-A.
Identifiers: ClinVar variation 1500994 (VCV001500994.3), dbSNP rs780523288, ClinGen allele CA9231825.

ClinVar aggregate classification (germline): Uncertain significance (1 of 4 stars; one submission).

Conditions:
Aicardi-Goutieres syndrome 4. Identifiers: Orphanet 51, MedGen C1835912, MONDO:0012472, OMIM 610333.

Allele frequency attached by ClinVar (database versions not stated): gnomAD exomes 0.00001; ExAC 0.00002.

Submission:

Labcorp Genetics (formerly Invitae), Labcorp
Classification: Uncertain significance for Aicardi-Goutieres syndrome 4. Last evaluated: 2022-07-11. Review status: criteria provided, single submitter. Criteria: Invitae Variant Classification Sherloc (09022015). Collection method: clinical testing. Allele origin: germline.
Comment: This sequence change falls in intron 3 of the RNASEH2A gene. It does not directly change the encoded amino acid sequence of the RNASEH2A protein. It affects a nucleotide within the consensus splice site. This variant is present in population databases (rs780523288, gnomAD 0.003%). This variant has not been reported in the literature in individuals affected with RNASEH2A-related conditions. ClinVar contains an entry for this variant (Variation ID: 1500994). Variants that disrupt the consensus splice site are a relatively common cause of aberrant splicing (PMID: 17576681, 9536098). Algorithms developed to predict the effect of sequence changes on RNA splicing suggest that this variant is not likely to affect RNA splicing. In summary, the available evidence is currently insufficient to determine the role of this variant in disease. Therefore, it has been classified as a Variant of Uncertain Significance.

Literature cited by the submitters: PubMed 17576681; PubMed 9536098.